The following is an entry in ClinVar:

NM_000260.4(MYO7A):c.3633C>A (p.Tyr1211Ter)

Gene: MYO7A (myosin VIIA; plus strand). Cytogenetic location: 11q13.5.
Variant type: single nucleotide variant.
Coding change: c.3633C>A on transcript NM_000260.4 (MANE Select); coding-DNA position 3633, C replaced by A.
Protein change: p.Tyr1211Ter; replaces tyrosine 1211 with a stop codon.
Molecular consequence: nonsense.
Genome position (GRCh38, 1-based): chr11:77,190,022, C>A. VCF-style: chr11-77190022-C-A. GRCh37 (hg19) VCF-style: chr11-76901067-C-A.
Other names: c.3633C>A, p.Tyr1211Ter (NM_001127180.2); c.3600C>A, p.Tyr1200Ter (NM_001369365.1); short protein forms Y1200*, Y1211*.
Identifiers: ClinVar variation 5014790 (VCV005014790.1).

ClinVar aggregate classification (germline): Pathogenic (1 of 4 stars; one submission).

Conditions:
Usher syndrome type 1 (USH1). Also called: RETINITIS PIGMENTOSA AND CONGENITAL DEAFNESS. Identifiers: Orphanet 231169, Orphanet 886, MedGen C1568247, MONDO:0010168, OMIM 276900.

Submission:

Myriad Genetics, Inc.
Classification: Pathogenic for Usher syndrome type 1. Last evaluated: 2025-07-29. Review status: criteria provided, single submitter. Criteria: Myriad Autosomal Dominant, Autosomal Recessive and X-Linked Classification Criteria (2023). Collection method: clinical testing. Allele origin: unknown.
Comment: NM_000260.3(MYO7A):c.3633C>A(Y1211*) is expected to be pathogenic in the context of MYO7A-related disorders. This variant is predicted to lead to an abnormal or absent protein product due to the creation of a premature termination codon in MYO7A, a gene where loss-of-function variants are known to be pathogenic. Please note: this variant was assessed in the context of healthy population screening.